The following is an entry in ClinVar:

ClinVar aggregate classification (germline): Uncertain significance (1 of 4 stars; one submission).

Submission:

Labcorp Genetics (formerly Invitae), Labcorp
Classification: Uncertain significance. Last evaluated: 2021-02-02. Review status: criteria provided, single submitter. Criteria: Invitae Variant Classification Sherloc (09022015). Collection method: clinical testing. Allele origin: germline.
Comment: In summary, the available evidence is currently insufficient to determine the role of this variant in disease. Therefore, it has been classified as a Variant of Uncertain Significance. Algorithms developed to predict the effect of missense changes on protein structure and function (SIFT, PolyPhen-2, Align-GVGD) all suggest that this variant is likely to be tolerated, but these predictions have not been confirmed by published functional studies and their clinical significance is uncertain. This variant has not been reported in the literature in individuals with CSF2RB-related conditions. This variant is not present in population databases (ExAC no frequency). This sequence change replaces serine with arginine at codon 505 of the CSF2RB protein (p.Ser505Arg). The serine residue is weakly conserved and there is a moderate physicochemical difference between serine and arginine.

NM_000395.3(CSF2RB):c.1515C>A (p.Ser505Arg)

Gene: CSF2RB (colony stimulating factor 2 receptor subunit beta; plus strand). Cytogenetic location: 22q12.3.
Variant type: single nucleotide variant.
Coding change: c.1515C>A on transcript NM_000395.3 (MANE Select); coding-DNA position 1515, C replaced by A.
Protein change: p.Ser505Arg; replaces serine 505 with arginine.
Molecular consequence: missense variant.
Genome position (GRCh38, 1-based): chr22:36,936,599, C>A. VCF-style: chr22-36936599-C-A. GRCh37 (hg19) VCF-style: chr22-37332641-C-A.
Other names: short protein forms S505R.
Identifiers: ClinVar variation 1367680 (VCV001367680.8), dbSNP rs140332744, ClinGen allele CA411409612.
Genomic context (GRCh38, chr22:36,936,599, plus strand): 5'-GCTCTTGCAGAACGGGAGCGCAGAGCTTTGGCCCCCAGGCAGCATGTCGGCCTTCACTAG[C>A]GGGAGTCCCCCACACCAGGGGCCGTGGGGCAGCCGCTTCCCTGAGCTGGAGGGGTGAGTG-3'
Protein context (NP_000386.1, residues 495-515): WPPGSMSAFT[Ser505Arg]GSPPHQGPWG